The following is an entry in ClinVar:

NM_001349798.2(FBXW7):c.1361T>C (p.Ile454Thr)

Gene: FBXW7 (F-box and WD repeat domain containing 7; minus strand). Cytogenetic location: 4q31.3.
Variant type: single nucleotide variant.
Coding change: c.1361T>C on transcript NM_001349798.2 (MANE Select); coding-DNA position 1361, T replaced by C.
Protein change: p.Ile454Thr; replaces isoleucine 454 with threonine.
Molecular consequence: missense variant.
Genome position (GRCh38, 1-based): chr4:152,328,265, A>G on the plus strand (T>C on the coding strand, the complement: FBXW7 is on the minus strand). VCF-style: chr4-152328265-A-G. GRCh37 (hg19) VCF-style: chr4-153249417-A-G.
Other names: c.1007T>C, p.Ile336Thr (NM_001013415.2); c.1121T>C, p.Ile374Thr (NM_018315.5); c.1361T>C, p.Ile454Thr (NM_033632.3); short protein forms I336T, I374T, I454T.
Identifiers: ClinVar variation 3381571 (VCV003381571.1).

ClinVar aggregate classification (germline): Uncertain significance (1 of 4 stars; one submission).

Submission:

GeneDx
Classification: Uncertain significance. Last evaluated: 2024-05-19. Review status: criteria provided, single submitter. Criteria: GeneDx Variant Classification Process June 2021. Collection method: clinical testing. Allele origin: germline. Affected: yes.
Comment: Not observed at significant frequency in large population cohorts (gnomAD); In silico analysis supports that this missense variant has a deleterious effect on protein structure/function; Has not been previously published as pathogenic or benign to our knowledge